The following is an entry in ClinVar:

NM_020780.2(DISP3):c.3065G>A (p.Arg1022His)

Gene: DISP3 (dispatched RND transporter family member 3; plus strand). Cytogenetic location: 1p36.22.
Variant type: single nucleotide variant.
Coding change: c.3065G>A on transcript NM_020780.2 (MANE Select); coding-DNA position 3065, G replaced by A.
Protein change: p.Arg1022His; replaces arginine 1022 with histidine.
Molecular consequence: missense variant.
Genome position (GRCh38, 1-based): chr1:11,529,922, G>A. VCF-style: chr1-11529922-G-A. GRCh37 (hg19) VCF-style: chr1-11589979-G-A.
Other names: short protein forms R1022H.
Identifiers: ClinVar variation 3057689 (VCV003057689.2), dbSNP rs200940112, ClinGen allele CA592210.
Genomic context (GRCh38, chr1:11,529,922, plus strand): 5'-GGCCACTAGTGGATACCGGGGCCATGGTCTTTGTGGTCTTCGGCATTATTGGCGTCAACC[G>A]CACTCGGCAGGTGGACAACCACGTCATTGGAGACCCGGTACGGGGCATGCGTCGGGCAGA-3'
Protein context (NP_065831.1, residues 1012-1032): FVVFGIIGVN[Arg1022His]TRQVDNHVIG

ClinVar aggregate classification (germline): Likely benign (0 of 4 stars; one submission).

Conditions:
DISP3-related disorder. Also called: DISP3-related condition.

Allele frequency attached by ClinVar (database versions not stated): gnomAD exomes 0.00009; ExAC 0.00018; 1000 Genomes Project 0.00040; 1000 Genomes Project 30x 0.00047; ESP Exome Variant Server 0.00065; gnomAD 0.00067; TOPMed 0.00073.
gnomAD v4.1: 249 of 1,613,720 alleles (0.015%); highest among the groups gnomAD compares: African/African-American, 0.25%; no homozygotes.

Submission:

PreventionGenetics, part of Exact Sciences
Classification: Likely benign for DISP3-related condition. Last evaluated: 2023-02-27. Review status: no assertion criteria provided. Collection method: clinical testing. Allele origin: germline.
Comment: This variant is classified as likely benign based on ACMG/AMP sequence variant interpretation guidelines (Richards et al. 2015 PMID: 25741868, with internal and published modifications).